The following is an entry in ClinVar:

ClinVar aggregate classification (germline): Uncertain significance. Review status: criteria provided, multiple submitters, no conflicts (2 of 4 stars). 2 submissions from 2 submitters: Uncertain significance (2). Last evaluated 2026-04-29.

Submissions (2):

Women's Health and Genetics/Laboratory Corporation of America, LabCorp
Classification: Uncertain significance. Last evaluated: 2026-04-29. Review status: criteria provided, single submitter. Criteria: LabCorp Variant Classification Summary - May 2015. Collection method: clinical testing. Allele origin: germline.
Comment: Variant summary: HK1 c.430A>G (p.Lys144Glu) results in a conservative amino acid change in the encoded protein sequence. Algorithms developed to predict the effect of missense changes on protein structure and function are either unavailable or do not agree on the potential impact of this missense change. The variant was absent in 251484 control chromosomes. The available data on variant occurrences in the general population are insufficient to allow any conclusion about variant significance. To our knowledge, no occurrence of c.430A>G in individuals affected with HK1-related conditions and no experimental evidence demonstrating its impact on protein function have been reported. ClinVar contains an entry for this variant (Variation ID: 3370705). Based on the evidence outlined above, the variant was classified as uncertain significance.

GeneDx
Classification: Uncertain significance. Last evaluated: 2024-03-13. Review status: criteria provided, single submitter. Criteria: GeneDx Variant Classification Process June 2021. Collection method: clinical testing. Allele origin: germline. Affected: yes.
Comment: Not observed at significant frequency in large population cohorts (gnomAD); In silico analysis supports that this missense variant has a deleterious effect on protein structure/function; Has not been previously published as pathogenic or benign to our knowledge

NM_000188.3(HK1):c.430A>G (p.Lys144Glu)

Gene: HK1 (hexokinase 1; plus strand). Cytogenetic location: 10q22.1.
Variant type: single nucleotide variant.
Coding change: c.430A>G on transcript NM_000188.3 (MANE Select); coding-DNA position 430, A replaced by G.
Protein change: p.Lys144Glu; replaces lysine 144 with glutamic acid.
Molecular consequence: missense variant.
Genome position (GRCh38, 1-based): chr10:69,364,837, A>G. VCF-style: chr10-69364837-A-G. GRCh37 (hg19) VCF-style: chr10-71124593-A-G.
Other names: c.442A>G, p.Lys148Glu (NM_033497.3, NM_033498.3, NM_001322364.2 and 1 more transcripts); c.394A>G, p.Lys132Glu (NM_033500.2); c.535A>G, p.Lys179Glu (NM_001322365.2); c.346A>G, p.Lys116Glu (NM_001322366.1); c.430A>G, p.Lys144Glu (NM_001322367.1); c.427A>G, p.Lys143Glu (NM_033496.3); short protein forms K116E, K132E, K143E, K144E, K148E, K179E.
Identifiers: ClinVar variation 3370705 (VCV003370705.2).
Genomic context (GRCh38, chr10:69,364,837, plus strand): 5'-CTTCAGCTTTTTGATCATGTTGCTGAGTGCCTGGGAGATTTCATGGAGAAAAGGAAGATC[A>G]AGGACAAGAAGTTACCTGTGGGATTCACGTTTTCTTTTCCTTGCCAACAATCCAAAATAG-3'
Protein context (NP_000179.2, residues 134-154): LGDFMEKRKI[Lys144Glu]DKKLPVGFTF